The following is an entry in ClinVar:

NM_001365276.2(TNXB):c.9042C>G (p.Cys3014Trp)

Gene: TNXB (tenascin XB; minus strand). Cytogenetic location: 6p21.33.
Variant type: single nucleotide variant.
Coding change: c.9042C>G on transcript NM_001365276.2 (MANE Select); coding-DNA position 9042, C replaced by G.
Protein change: p.Cys3014Trp; replaces cysteine 3014 with tryptophan.
Molecular consequence: missense variant.
Genome position (GRCh38, 1-based): chr6:32,052,743, G>C on the plus strand (C>G on the coding strand, the complement: TNXB is on the minus strand). VCF-style: chr6-32052743-G-C. GRCh37 (hg19) VCF-style: chr6-32020520-G-C.
Other names: c.9783C>G, p.Cys3261Trp (NM_001428335.1); c.9036C>G, p.Cys3012Trp (NM_019105.8); short protein forms C3014W, C3261W, C3012W.
Identifiers: ClinVar variation 4615190 (VCV004615190.1).

ClinVar aggregate classification (germline): Uncertain significance (1 of 4 stars; one submission).

Conditions:
Cardiovascular phenotype. Identifiers: MedGen CN230736.

gnomAD v4.1: 1 of 1,613,812 alleles (0.000062%); highest among the groups gnomAD compares: Non-Finnish European, 0.000085%; no homozygotes.

Submission:

Ambry Genetics
Classification: Uncertain significance for Cardiovascular phenotype. Last evaluated: 2025-12-02. Review status: criteria provided, single submitter. Criteria: Ambry Variant Classification Scheme 2023. Collection method: clinical testing. Allele origin: germline.
Comment: The p.C3012W variant (also known as c.9036C>G), located in coding exon 25 of the TNXB gene, results from a C to G substitution at nucleotide position 9036. The cysteine at codon 3012 is replaced by tryptophan, an amino acid with highly dissimilar properties. This amino acid position is conserved. In addition, this alteration is predicted to be tolerated by in silico analysis. Based on the available evidence, the clinical significance of this variant remains unclear.